The following is an entry in ClinVar:

NM_006767.4(LZTR1):c.1198A>G (p.Met400Val)

Gene: LZTR1 (leucine zipper like post translational regulator 1; plus strand). Cytogenetic location: 22q11.21.
Variant type: single nucleotide variant.
Coding change: c.1198A>G on transcript NM_006767.4 (MANE Select); coding-DNA position 1198, A replaced by G.
Protein change: p.Met400Val; replaces methionine 400 with valine.
Molecular consequence: missense variant.
Genome position (GRCh38, 1-based): chr22:20,992,842, A>G. VCF-style: chr22-20992842-A-G. GRCh37 (hg19) VCF-style: chr22-21347131-A-G.
Other names: short protein forms M400V.
Identifiers: ClinVar variation 2197156 (VCV002197156.4), dbSNP rs2518618816, ClinGen allele CA410773843.

ClinVar aggregate classification (germline): Uncertain significance (1 of 4 stars; one submission).

Submission:

Labcorp Genetics (formerly Invitae), Labcorp
Classification: Uncertain significance. Last evaluated: 2024-12-31. Review status: criteria provided, single submitter. Criteria: Invitae Variant Classification Sherloc (09022015). Collection method: clinical testing. Allele origin: germline.
Comment: This sequence change replaces methionine, which is neutral and non-polar, with valine, which is neutral and non-polar, at codon 400 of the LZTR1 protein (p.Met400Val). This variant is not present in population databases (gnomAD no frequency). This variant has not been reported in the literature in individuals affected with LZTR1-related conditions. ClinVar contains an entry for this variant (Variation ID: 2197156). Invitae Evidence Modeling of protein sequence and biophysical properties (such as structural, functional, and spatial information, amino acid conservation, physicochemical variation, residue mobility, and thermodynamic stability) indicates that this missense variant is not expected to disrupt LZTR1 protein function with a negative predictive value of 80%. In summary, the available evidence is currently insufficient to determine the role of this variant in disease. Therefore, it has been classified as a Variant of Uncertain Significance.